The following is an entry in ClinVar:

NM_007186.6(CEP250):c.2168T>C (p.Val723Ala)

Genes: CEP250 (centrosomal protein 250; plus strand), CEP250-AS1 (CEP250 antisense RNA 1; minus strand). Cytogenetic location: 20q11.22.
Variant type: single nucleotide variant.
Coding change: c.2168T>C on transcript NM_007186.6 (MANE Select); coding-DNA position 2168, T replaced by C.
Protein change: p.Val723Ala; replaces valine 723 with alanine.
Molecular consequence: missense variant.
Genome position (GRCh38, 1-based): chr20:35,479,304, T>C. VCF-style: chr20-35479304-T-C. GRCh37 (hg19) VCF-style: chr20-34067129-T-C.
Other names: c.272T>C, p.Val91Ala (NM_001318219.1); short protein forms V91A, V723A.
Identifiers: ClinVar variation 1498663 (VCV001498663.8), dbSNP rs2146876292, ClinGen allele CA408768834.

ClinVar aggregate classification (germline): Uncertain significance (1 of 4 stars; one submission).

Submission:

Labcorp Genetics (formerly Invitae), Labcorp
Classification: Uncertain significance. Last evaluated: 2022-06-13. Review status: criteria provided, single submitter. Criteria: Invitae Variant Classification Sherloc (09022015). Collection method: clinical testing. Allele origin: germline.
Comment: Algorithms developed to predict the effect of missense changes on protein structure and function output the following: SIFT: "Not Available"; PolyPhen-2: "Benign"; Align-GVGD: "Not Available". The alanine amino acid residue is found in multiple mammalian species, which suggests that this missense change does not adversely affect protein function. This variant has not been reported in the literature in individuals affected with CEP250-related conditions. This variant is not present in population databases (gnomAD no frequency). This sequence change replaces valine, which is neutral and non-polar, with alanine, which is neutral and non-polar, at codon 723 of the CEP250 protein (p.Val723Ala). In summary, the available evidence is currently insufficient to determine the role of this variant in disease. Therefore, it has been classified as a Variant of Uncertain Significance.